The following is an entry in ClinVar:

NM_133433.4(NIPBL):c.3248del (p.Pro1083fs)

Gene: NIPBL (NIPBL cohesin loading factor; plus strand). Cytogenetic location: 5p13.2.
Variant type: Deletion.
Coding change: c.3248del on transcript NM_133433.4 (MANE Select); coding-DNA position 3248, one base deleted (C; older notation c.3248delC).
Protein change: p.Pro1083fs; shifts the reading frame from proline 1083.
Molecular consequence: frameshift variant.
Genome position (GRCh38, 1-based): chr5:36,995,748, C deleted; the last of 2 consecutive C bases (chr5:36,995,747-36,995,748); deleting either gives the same sequence. VCF-style (leftmost placement, unchanged base first): chr5-36995746-GC-G. GRCh37 (hg19) VCF-style: chr5-36995848-GC-G.
Other names: c.3248del, p.Pro1083fs (NM_015384.5); short protein forms P1083fs.
Identifiers: ClinVar variation 476587 (VCV000476587.6), dbSNP rs1554019698, ClinGen allele CA658657438.

ClinVar aggregate classification (germline): Pathogenic (1 of 4 stars; one submission).

Conditions:
Cornelia de Lange syndrome 1 (CDLS1). Also called: Brachmann de Lange syndrome; TYPUS DEGENERATIVUS AMSTELODAMENSIS; NIPBL-Related Cornelia de Lange Syndrome. Identifiers: Orphanet 199, MedGen C4551851, MONDO:0007387, OMIM 122470.

Submission:

Labcorp Genetics (formerly Invitae), Labcorp
Classification: Pathogenic for Cornelia de Lange syndrome 1. Last evaluated: 2017-01-13. Review status: criteria provided, single submitter. Criteria: Invitae Variant Classification Sherloc (09022015). Collection method: clinical testing. Allele origin: germline.
Comment: While this particular variant has not been reported in the literature, loss-of-function variants in NIPBL are known to be pathogenic (PMID: 24038889). For these reasons, this variant has been classified as Pathogenic. This sequence change deletes 1 nucleotide from exon 11 of the NIPBL mRNA (c.3248delC), causing a frameshift at codon 1083. This creates a premature translational stop signal (p.Pro1083Glnfs*90) and is expected to result in an absent or disrupted protein product.

Literature cited by the submitters: PubMed 24038889.